The following is an entry in ClinVar:

NM_199242.3(UNC13D):c.2063A>G (p.Gln688Arg)

Gene: UNC13D (unc-13 homolog D; minus strand). Cytogenetic location: 17q25.1.
Variant type: single nucleotide variant.
Coding change: c.2063A>G on transcript NM_199242.3 (MANE Select); coding-DNA position 2063, A replaced by G.
Protein change: p.Gln688Arg; replaces glutamine 688 with arginine.
Molecular consequence: missense variant.
Genome position (GRCh38, 1-based): chr17:75,834,646, T>C on the plus strand (A>G on the coding strand, the complement: UNC13D is on the minus strand). VCF-style: chr17-75834646-T-C. GRCh37 (hg19) VCF-style: chr17-73830727-T-C.
Other names: short protein forms Q688R.
Identifiers: ClinVar variation 571984 (VCV000571984.7), dbSNP rs777159773, ClinGen allele CA8772678.

ClinVar aggregate classification (germline): Uncertain significance. Review status: criteria provided, multiple submitters, no conflicts (2 of 4 stars). 2 submissions from 2 submitters: Uncertain significance (2). Last evaluated 2024-01-29.

Conditions:
Familial hemophagocytic lymphohistiocytosis 3 (FHL3). Also called: UNC13D-Related Familial Hemophagocytic Lymphohistiocytosis (UNC13D-fHLH). Identifiers: Orphanet 540, MedGen C1837174, MONDO:0012146, OMIM 608898.

Allele frequency attached by ClinVar (database versions not stated): gnomAD below 0.00001 and 0.00001; gnomAD exomes 0.00001 and 0.00003; ExAC 0.00003.
gnomAD v4.1: 11 of 1,613,706 alleles (0.00068%); highest among the groups gnomAD compares: South Asian, 0.011%; no homozygotes.

Submissions (2):

Blueprint Genetics
Classification: Uncertain significance. Last evaluated: 2024-01-29. Review status: criteria provided, single submitter. Criteria: ACMG Guidelines, 2015. Collection method: clinical testing. Allele origin: germline.

Labcorp Genetics (formerly Invitae), Labcorp
Classification: Uncertain significance for Familial hemophagocytic lymphohistiocytosis 3. Last evaluated: 2022-09-07. Review status: criteria provided, single submitter. Criteria: Invitae Variant Classification Sherloc (09022015). Collection method: clinical testing. Allele origin: germline.
Comment: This sequence change replaces glutamine, which is neutral and polar, with arginine, which is basic and polar, at codon 688 of the UNC13D protein (p.Gln688Arg). This variant is present in population databases (rs777159773, gnomAD 0.02%). This variant has not been reported in the literature in individuals affected with UNC13D-related conditions. ClinVar contains an entry for this variant (Variation ID: 571984). Algorithms developed to predict the effect of missense changes on protein structure and function are either unavailable or do not agree on the potential impact of this missense change (SIFT: "Not Available"; PolyPhen-2: "Benign"; Align-GVGD: "Not Available"). In summary, the available evidence is currently insufficient to determine the role of this variant in disease. Therefore, it has been classified as a Variant of Uncertain Significance.